The following is an entry in ClinVar:

ClinVar aggregate classification (germline): Likely benign. Review status: criteria provided, multiple submitters, no conflicts (2 of 4 stars). 2 submissions from 2 submitters: Likely benign (2). Last evaluated 2026-01-11.

Conditions:
Charcot-Marie-Tooth disease axonal type 2O. Also called: CHARCOT-MARIE-TOOTH DISEASE, AXONAL, AUTOSOMAL DOMINANT, TYPE 2O; CHARCOT-MARIE-TOOTH NEUROPATHY, AXONAL, TYPE 2O; Charcot-Marie-Tooth Neuropathy Type 2O; Charcot-Marie-Tooth disease, axonal, type 20. Identifiers: Orphanet 284232, MedGen C3280220, MONDO:0013644, OMIM 614228.

Submissions (2):

Labcorp Genetics (formerly Invitae), Labcorp
Classification: Likely benign for Charcot-Marie-Tooth disease axonal type 2O. Last evaluated: 2026-01-11. Review status: criteria provided, single submitter. Criteria: Invitae Variant Classification Sherloc (09022015). Collection method: clinical testing. Allele origin: germline.

Women's Health and Genetics/Laboratory Corporation of America, LabCorp
Classification: Likely benign. Last evaluated: 2025-12-05. Review status: criteria provided, single submitter. Criteria: LabCorp Variant Classification Summary - May 2015. Collection method: clinical testing. Allele origin: germline.
Comment: Variant summary: DYNC1H1 c.5430C>T results in a synonymous change. Consensus agreement among computation tools predict no significant impact on normal splicing. However, these predictions have yet to be confirmed by functional studies. The variant was absent in 251412 control chromosomes. The available data on variant occurrences in the general population are insufficient to allow any conclusion about variant significance. To our knowledge, no occurrence of c.5430C>T in individuals affected with DYNC1H1-related conditions and no experimental evidence demonstrating its impact on protein function have been reported. No submitters have cited clinical-significance assessments for this variant to ClinVar. Based on the evidence outlined above, the variant was classified as likely benign.

NM_001376.5(DYNC1H1):c.5430C>T (p.His1810=)

Gene: DYNC1H1 (dynein cytoplasmic 1 heavy chain 1; plus strand). Cytogenetic location: 14q32.31.
Variant type: single nucleotide variant.
Coding change: c.5430C>T on transcript NM_001376.5 (MANE Select); coding-DNA position 5430, C replaced by T.
Protein change: p.His1810=; no amino-acid change (histidine 1810 retained).
Molecular consequence: synonymous variant.
Genome position (GRCh38, 1-based): chr14:102,005,233, C>T. VCF-style: chr14-102005233-C-T. GRCh37 (hg19) VCF-style: chr14-102471570-C-T.
Identifiers: ClinVar variation 4688545 (VCV004688545.2).